The following is an entry in ClinVar:

ClinVar aggregate classification (germline): Uncertain significance (1 of 4 stars; one submission).

gnomAD v4.1: 5 of 1,550,786 alleles (0.00032%); highest among the groups gnomAD compares: Admixed American, 0.0019%; no homozygotes.

Submission:

Labcorp Genetics (formerly Invitae), Labcorp
Classification: Uncertain significance. Last evaluated: 2023-11-04. Review status: criteria provided, single submitter. Criteria: Invitae Variant Classification Sherloc (09022015). Collection method: clinical testing. Allele origin: germline.
Comment: This sequence change replaces glutamic acid, which is acidic and polar, with aspartic acid, which is acidic and polar, at codon 539 of the BCL11B protein (p.Glu539Asp). The frequency data for this variant in the population databases is considered unreliable, as metrics indicate poor data quality at this position in the gnomAD database. This variant has not been reported in the literature in individuals affected with BCL11B-related conditions. Advanced modeling of protein sequence and biophysical properties (such as structural, functional, and spatial information, amino acid conservation, physicochemical variation, residue mobility, and thermodynamic stability) performed at Invitae indicates that this missense variant is not expected to disrupt BCL11B protein function with a negative predictive value of 80%. In summary, the available evidence is currently insufficient to determine the role of this variant in disease. Therefore, it has been classified as a Variant of Uncertain Significance.

NM_138576.4(BCL11B):c.1617G>C (p.Glu539Asp)

Gene: BCL11B (BCL11 transcription factor B; minus strand). Cytogenetic location: 14q32.2.
Variant type: single nucleotide variant.
Coding change: c.1617G>C on transcript NM_138576.4 (MANE Select); coding-DNA position 1617, G replaced by C.
Protein change: p.Glu539Asp; replaces glutamic acid 539 with aspartic acid.
Molecular consequence: missense variant.
Genome position (GRCh38, 1-based): chr14:99,175,219, C>G on the plus strand (G>C on the coding strand, the complement: BCL11B is on the minus strand). VCF-style: chr14-99175219-C-G. GRCh37 (hg19) VCF-style: chr14-99641556-C-G.
Other names: c.1614G>C, p.Glu538Asp (NM_001282237.2); c.1401G>C, p.Glu467Asp (NM_001282238.2); c.1404G>C, p.Glu468Asp (NM_022898.3); short protein forms E467D, E538D, E468D, E539D.
Identifiers: ClinVar variation 2879999 (VCV002879999.3), dbSNP rs376168981, ClinGen allele CA7339639.